The following is an entry in ClinVar:

ClinVar aggregate classification (germline): Benign/Likely benign. Review status: criteria provided, multiple submitters, no conflicts (2 of 4 stars). 6 submissions from 6 submitters: Benign (2); Likely benign (2). 2 of the submissions do not count toward it. Last evaluated 2026-02-02.

Allele frequency attached by ClinVar (database versions not stated): 1000 Genomes Project 30x 0.00250; 1000 Genomes Project 0.00280; gnomAD 0.00378 and 0.00392; TOPMed 0.00424; gnomAD exomes 0.00439 and 0.00620; ExAC 0.00466; ESP Exome Variant Server 0.00484.
gnomAD v4.1: 9,568 of 1,611,906 alleles (0.59%); highest among the groups gnomAD compares: Non-Finnish European, 0.73%; 37 homozygotes.

Submissions (6):

Labcorp Genetics (formerly Invitae), Labcorp
Classification: Benign. Last evaluated: 2026-02-02. Review status: criteria provided, single submitter. Criteria: Invitae Variant Classification Sherloc (09022015). Collection method: clinical testing. Allele origin: germline.

CeGaT Center for Human Genetics Tuebingen
Classification: Likely benign. Last evaluated: 2025-07-01. Review status: criteria provided, single submitter. Criteria: CeGaT Center For Human Genetics Tuebingen Variant Classification Criteria Version 2. Collection method: clinical testing. Allele origin: germline. Affected: yes. Observed: 1 variant allele.
Comment: RAB28: BP4, BS2

Blueprint Genetics
Classification: Likely benign. Last evaluated: 2024-11-22. Review status: criteria provided, single submitter. Criteria: ACMG Guidelines, 2015. Collection method: clinical testing. Allele origin: germline.

Breakthrough Genomics
Classification: Benign. Review status: criteria provided, single submitter. Criteria: ACMG Guidelines, 2015. Collection method: not provided. Allele origin: germline. Inheritance: Autosomal recessive inheritance. Affected: yes.

Clinical Genetics DNA and cytogenetics Diagnostics Lab, Erasmus MC, Erasmus Medical Center
Classification: Likely benign. Review status: no assertion criteria provided. Collection method: clinical testing. Allele origin: germline. Affected: yes. Study: VKGL Data-share Consensus. Not counted in ClinVar's aggregate classification.

Clinical Genetics, Academic Medical Center
Classification: Benign. Review status: no assertion criteria provided. Collection method: clinical testing. Allele origin: germline. Affected: yes. Study: VKGL Data-share Consensus. Not counted in ClinVar's aggregate classification.

NM_004249.4(RAB28):c.579T>C (p.Ile193=)

Gene: RAB28 (RAB28, member RAS oncogene family; minus strand). Cytogenetic location: 4p15.33.
Variant type: single nucleotide variant.
Coding change: c.579T>C on transcript NM_004249.4 (MANE Plus Clinical); coding-DNA position 579, T replaced by C.
Protein change: p.Ile193=; no amino-acid change (isoleucine 193 retained).
Molecular consequence: synonymous variant. On other transcripts: intron variant (2).
Genome position (GRCh38, 1-based): chr4:13,369,960, A>G on the plus strand (T>C on the coding strand, the complement: RAB28 is on the minus strand). VCF-style: chr4-13369960-A-G. GRCh37 (hg19) VCF-style: chr4-13371584-A-G.
Other names: c.574-1310T>C (NM_001017979.3); c.*32-1310T>C (NM_001159601.2).
Identifiers: ClinVar variation 789172 (VCV000789172.24), dbSNP rs61758767, ClinGen allele CA2859999.
Genomic context (GRCh38, chr4:13,369,960, plus strand): 5'-CTGAGTAGAGGTGGTATGTTGATTTTCTTCTTCCGGGTACTTCACTATTTCTGCCCTGAC[A>G]ATACGCTGTCAATTCCATACAACATAAATGAGACAAAGAAAAAAGAATTAAAAAAAAAAA-3'
Protein context (NP_004240.2, residues 183-203): NKAEIEQSQR[Ile193=]VRAEIVKYPE